The following is an entry in ClinVar:

ClinVar aggregate classification (germline): Likely pathogenic (1 of 4 stars; one submission).

Conditions:
Autosomal recessive nonsyndromic hearing loss 2. Also called: NEUROSENSORY NONSYNDROMIC RECESSIVE DEAFNESS 2; DEAFNESS, AUTOSOMAL RECESSIVE 2. Identifiers: Orphanet 90636, MedGen C1838701, MONDO:0010807, OMIM 600060.

Submission:

Institute of Rare Diseases, West China Hospital, Sichuan University
Classification: Likely pathogenic for Autosomal recessive nonsyndromic hearing loss 2. Last evaluated: 2025-01-09. Review status: criteria provided, single submitter. Criteria: ClinGen HL ACMG Specifications v1. Collection method: research. Allele origin: germline. Affected: yes.
Comment: PM3;PM5;PM2_Supporting;PP3

NM_000260.4(MYO7A):c.5618G>T (p.Arg1873Leu)

Gene: MYO7A (myosin VIIA; plus strand). Cytogenetic location: 11q13.5.
Variant type: single nucleotide variant.
Coding change: c.5618G>T on transcript NM_000260.4 (MANE Select); coding-DNA position 5618, G replaced by T.
Protein change: p.Arg1873Leu; replaces arginine 1873 with leucine.
Molecular consequence: missense variant.
Genome position (GRCh38, 1-based): chr11:77,205,599, G>T. VCF-style: chr11-77205599-G-T. GRCh37 (hg19) VCF-style: chr11-76916644-G-T.
Other names: c.5504G>T, p.Arg1835Leu (NM_001127180.2); c.5471G>T, p.Arg1824Leu (NM_001369365.1); short protein forms R1824L, R1835L, R1873L.
Identifiers: ClinVar variation 3601489 (VCV003601489.1).